The following is an entry in ClinVar:

ClinVar aggregate classification (germline): Uncertain significance (1 of 4 stars; one submission).

Submission:

GeneDx
Classification: Uncertain significance. Last evaluated: 2019-09-25. Review status: criteria provided, single submitter. Criteria: GeneDx Variant Classification Process June 2021. Collection method: clinical testing. Allele origin: germline. Affected: yes.
Comment: Not observed in large population cohorts (Lek et al., 2016); In silico analysis, which includes protein predictors and evolutionary conservation, supports that this variant does not alter protein structure/function; Has not been previously published as pathogenic or benign to our knowledge

NM_000158.4(GBE1):c.991A>G (p.Ser331Gly)

Gene: GBE1 (1,4-alpha-glucan branching enzyme 1; minus strand). Cytogenetic location: 3p12.2.
Variant type: single nucleotide variant.
Coding change: c.991A>G on transcript NM_000158.4 (MANE Select); coding-DNA position 991, A replaced by G.
Protein change: p.Ser331Gly; replaces serine 331 with glycine.
Molecular consequence: missense variant.
Genome position (GRCh38, 1-based): chr3:81,642,782, T>C on the plus strand (A>G on the coding strand, the complement: GBE1 is on the minus strand). VCF-style: chr3-81642782-T-C. GRCh37 (hg19) VCF-style: chr3-81691933-T-C.
Other names: short protein forms S331G.
Identifiers: ClinVar variation 1304425 (VCV001304425.2), dbSNP rs2107059338, ClinGen allele CA353687129.